The following is an entry in ClinVar:

ClinVar aggregate classification (germline): Uncertain significance. Review status: criteria provided, multiple submitters, no conflicts (2 of 4 stars). 2 submissions from 2 submitters: Uncertain significance (2). Last evaluated 2025-03-01.

Allele frequency attached by ClinVar (database versions not stated): ExAC 0.00001; gnomAD 0.00001; gnomAD exomes 0.00001.
gnomAD v4.1: 10 of 1,613,934 alleles (0.00062%); highest among the groups gnomAD compares: East Asian, 0.0022%; no homozygotes.

Submissions (2):

CeGaT Center for Human Genetics Tuebingen
Classification: Uncertain significance. Last evaluated: 2025-03-01. Review status: criteria provided, single submitter. Criteria: CeGaT Center For Human Genetics Tuebingen Variant Classification Criteria Version 2. Collection method: clinical testing. Allele origin: germline. Affected: yes. Observed: 1 variant allele.
Comment: CXCR2: PM2

Labcorp Genetics (formerly Invitae), Labcorp
Classification: Uncertain significance. Last evaluated: 2022-12-27. Review status: criteria provided, single submitter. Criteria: Invitae Variant Classification Sherloc (09022015). Collection method: clinical testing. Allele origin: germline.
Comment: This sequence change replaces glycine, which is neutral and non-polar, with arginine, which is basic and polar, at codon 232 of the CXCR2 protein (p.Gly232Arg). This variant is present in population databases (rs201103729, gnomAD 0.003%). This variant has not been reported in the literature in individuals affected with CXCR2-related conditions. Algorithms developed to predict the effect of missense changes on protein structure and function are either unavailable or do not agree on the potential impact of this missense change (SIFT: "Deleterious"; PolyPhen-2: "Benign"; Align-GVGD: "Class C25"). In summary, the available evidence is currently insufficient to determine the role of this variant in disease. Therefore, it has been classified as a Variant of Uncertain Significance.

NM_001557.4(CXCR2):c.694G>A (p.Gly232Arg)

Gene: CXCR2 (C-X-C motif chemokine receptor 2; plus strand). Cytogenetic location: 2q35.
Variant type: single nucleotide variant.
Coding change: c.694G>A on transcript NM_001557.4 (MANE Select); coding-DNA position 694, G replaced by A.
Protein change: p.Gly232Arg; replaces glycine 232 with arginine.
Molecular consequence: missense variant.
Genome position (GRCh38, 1-based): chr2:218,135,495, G>A. VCF-style: chr2-218135495-G-A. GRCh37 (hg19) VCF-style: chr2-219000218-G-A.
Other names: c.694G>A, p.Gly232Arg (NM_001168298.2); short protein forms G232R.
Identifiers: ClinVar variation 2869502 (VCV002869502.9), dbSNP rs201103729, ClinGen allele CA2101752.